The following is an entry in ClinVar:

NM_001291867.2(NHS):c.4040G>A (p.Ser1347Asn)

Gene: NHS (NHS actin remodeling regulator; plus strand). Cytogenetic location: Xp22.13.
Variant type: single nucleotide variant.
Coding change: c.4040G>A on transcript NM_001291867.2 (MANE Select); coding-DNA position 4040, G replaced by A.
Protein change: p.Ser1347Asn; replaces serine 1347 with asparagine.
Molecular consequence: missense variant.
Genome position (GRCh38, 1-based): chrX:17,728,146, G>A. VCF-style: chrX-17728146-G-A. GRCh37 (hg19) VCF-style: chrX-17746266-G-A.
Other names: c.3509G>A, p.Ser1170Asn (NM_001136024.4); c.3446G>A, p.Ser1149Asn (NM_001291868.2); c.3977G>A, p.Ser1326Asn (NM_198270.4); short protein forms S1326N, S1347N, S1149N, S1170N.
Identifiers: ClinVar variation 1736657 (VCV001736657.2), dbSNP rs2519942232, ClinGen allele CA412367149.
Genomic context (GRCh38, chrX:17,728,146, plus strand): 5'-CAGACTCACCAACTAGAGCAACAGATGTAAGCAATCAATTTAAGCATCAATTTGTTATGA[G>A]CCGCCACCATGACAAAGTGCCTGGTACTATCAGCTATGAATCGGAGATAACATCTGTAAA-3'
Protein context (NP_001278796.1, residues 1337-1357): SNQFKHQFVM[Ser1347Asn]RHHDKVPGTI

ClinVar aggregate classification (germline): Uncertain significance (1 of 4 stars; one submission).

Conditions:
Inborn genetic diseases. Identifiers: MedGen C0950123, MeSH D030342.

Allele frequency attached by ClinVar (database versions not stated): gnomAD exomes 0.00001.
gnomAD v4.1: 6 of 1,211,659 alleles (0.0005%); highest among the groups gnomAD compares: Non-Finnish European, 0.00067%; no homozygotes.

Submission:

Ambry Genetics
Classification: Uncertain significance for Inborn genetic diseases. Last evaluated: 2020-08-31. Review status: criteria provided, single submitter. Criteria: Ambry Variant Classification Scheme 2023. Collection method: clinical testing. Allele origin: germline.
Comment: The p.S1326N variant (also known as c.3977G>A), located in coding exon 6 of the NHS gene, results from a G to A substitution at nucleotide position 3977. The serine at codon 1326 is replaced by asparagine, an amino acid with highly similar properties. This amino acid position is well conserved in available vertebrate species; however, asparagine is the reference amino acid in other vertebrate species. In addition, this alteration is predicted to be tolerated by in silico analysis. Since supporting evidence is limited at this time, the clinical significance of this alteration remains unclear.